The following is an entry in ClinVar:

ClinVar aggregate classification (germline): Benign/Likely benign. Review status: criteria provided, multiple submitters, no conflicts (2 of 4 stars). 5 submissions from 5 submitters: Benign (2); Likely benign (3). Last evaluated 2026-06-18.

Conditions:
Retinoblastoma (RB1). Also called: RETINOBLASTOMA, SOMATIC. Identifiers: Orphanet 790, MedGen C0035335, MeSH D012175, MONDO:0008380, OMIM 180200, HP:0009919. Disease mechanism: loss of function. Inheritance: Both sporadic and heritable forms are tested..
Hereditary cancer-predisposing syndrome. Also called: Hereditary neoplastic syndrome; Neoplastic Syndromes, Hereditary; Hereditary Cancer Syndrome; Tumor predisposition. Identifiers: Orphanet 140162, MedGen C0027672, MeSH D009386, MONDO:0015356.

Allele frequency attached by ClinVar (database versions not stated): gnomAD 0.00015 and 0.00014; TOPMed 0.00017; 1000 Genomes Project 0.00020; gnomAD exomes 0.00001 and 0.00003; ExAC 0.00002; 1000 Genomes Project 30x 0.00031.
gnomAD v4.1: 37 of 1,597,940 alleles (0.0023%); highest among the groups gnomAD compares: African/African-American, 0.042%; no homozygotes.

Submissions (5):

Myriad Genetics, Inc.
Classification: Likely benign for Retinoblastoma. Last evaluated: 2026-06-18. Review status: criteria provided, single submitter. Criteria: Myriad Autosomal Dominant, Autosomal Recessive and X-Linked Classification Criteria (2023). Collection method: clinical testing. Allele origin: unknown.
Comment: This variant is considered likely benign. This variant has been observed at a population frequency that is significantly greater than expected given the associated disease prevalence and penetrance.

Labcorp Genetics (formerly Invitae), Labcorp
Classification: Benign for Retinoblastoma. Last evaluated: 2026-01-31. Review status: criteria provided, single submitter. Criteria: Invitae Variant Classification Sherloc (09022015). Collection method: clinical testing. Allele origin: germline.

Ambry Genetics
Classification: Benign for Hereditary cancer-predisposing syndrome. Last evaluated: 2022-10-17. Review status: criteria provided, single submitter. Criteria: Ambry Variant Classification Scheme 2023. Collection method: clinical testing. Allele origin: germline.

Color Diagnostics, LLC DBA Color Health
Classification: Likely benign for Retinoblastoma. Last evaluated: 2022-04-27. Review status: criteria provided, single submitter. Criteria: ACMG Guidelines, 2015. Collection method: clinical testing. Allele origin: germline.

Mendelics
Classification: Likely benign for Retinoblastoma. Last evaluated: 2019-05-28. Review status: criteria provided, single submitter. Criteria: Mendelics Assertion Criteria 2017. Collection method: clinical testing. Allele origin: unknown.

NM_000321.3(RB1):c.1156A>G (p.Met386Val)

Gene: RB1 (RB transcriptional corepressor 1; plus strand). Cytogenetic location: 13q14.2.
Variant type: single nucleotide variant.
Coding change: c.1156A>G on transcript NM_000321.3 (MANE Select); coding-DNA position 1156, A replaced by G.
Protein change: p.Met386Val; replaces methionine 386 with valine.
Molecular consequence: missense variant.
Genome position (GRCh38, 1-based): chr13:48,373,433, A>G. VCF-style: chr13-48373433-A-G. GRCh37 (hg19) VCF-style: chr13-48947569-A-G.
Other names: short protein forms M386V.
Identifiers: ClinVar variation 458115 (VCV000458115.17), dbSNP rs564780653, ClinGen allele CA027706.